The following is an entry in ClinVar:

ClinVar aggregate classification (germline): Conflicting classifications of pathogenicity. Review status: criteria provided, conflicting classifications (1 of 4 stars). 3 submissions from 3 submitters: Uncertain significance (1); Likely benign (1). 1 of the submissions does not count toward it. Last evaluated 2026-01-18.

Conditions:
DSTYK-related disorder. Also called: DSTYK-related condition.

Allele frequency attached by ClinVar (database versions not stated): gnomAD exomes 0.00012; ESP Exome Variant Server 0.00015; 1000 Genomes Project 0.00020; gnomAD 0.00026; 1000 Genomes Project 30x 0.00031; TOPMed 0.00035; ExAC 0.00037.
gnomAD v4.1: 202 of 1,564,388 alleles (0.013%); highest among the groups gnomAD compares: Admixed American, 0.2%; no homozygotes.

Submissions (3):

Labcorp Genetics (formerly Invitae), Labcorp
Classification: Likely benign. Last evaluated: 2026-01-18. Review status: criteria provided, single submitter. Criteria: Invitae Variant Classification Sherloc (09022015). Collection method: clinical testing. Allele origin: germline.

Revvity Omics, Revvity
Classification: Uncertain significance. Last evaluated: 2024-01-26. Review status: criteria provided, single submitter. Criteria: ACMG Guidelines, 2015. Collection method: clinical testing. Allele origin: germline.

PreventionGenetics, part of Exact Sciences
Classification: Likely benign for DSTYK-related condition. Last evaluated: 2021-12-09. Review status: no assertion criteria provided. Collection method: clinical testing. Allele origin: germline. Not counted in ClinVar's aggregate classification.
Comment: This variant is classified as likely benign based on ACMG/AMP sequence variant interpretation guidelines (Richards et al. 2015 PMID: 25741868, with internal and published modifications).

NM_015375.3(DSTYK):c.2216G>A (p.Arg739Gln)

Gene: DSTYK (dual serine/threonine and tyrosine protein kinase; minus strand). Cytogenetic location: 1q32.1.
Variant type: single nucleotide variant.
Coding change: c.2216G>A on transcript NM_015375.3 (MANE Select); coding-DNA position 2216, G replaced by A.
Protein change: p.Arg739Gln; replaces arginine 739 with glutamine.
Molecular consequence: missense variant.
Genome position (GRCh38, 1-based): chr1:205,159,569, C>T on the plus strand (G>A on the coding strand, the complement: DSTYK is on the minus strand). VCF-style: chr1-205159569-C-T. GRCh37 (hg19) VCF-style: chr1-205128697-C-T.
Other names: c.2216G>A, p.Arg739Gln (NM_199462.3); c.2216G>A (NM_015375.2); short protein forms R739Q.
Identifiers: ClinVar variation 2070332 (VCV002070332.7), dbSNP rs369367865, ClinGen allele CA1352634.
Genomic context (GRCh38, chr1:205,159,569, plus strand): 5'-TGGATTTGGCTGCCAGCTGGATCTTGCTCTCTCCTTACCTTCAGCCCTGTGTAGAGATCC[C>T]GGTGTAGCCGCTCCATAATGAGGAGCACAGCAATGCTGGAGCCACCACCATAGTTGTAGT-3'
Protein context (NP_056190.1, residues 729-749): AVLLIMERLH[Arg739Gln]DLYTGLKAGL